The following is an entry in ClinVar:

NM_000463.3(UGT1A1):c.755_756del (p.Ser252fs)

Genes: UGT1A (UDP glucuronosyltransferase family 1 member A complex locus; plus strand), UGT1A1 (UDP glucuronosyltransferase family 1 member A1; plus strand), UGT1A10 (UDP glucuronosyltransferase family 1 member A10; plus strand), UGT1A3 (UDP glucuronosyltransferase family 1 member A3; plus strand), UGT1A4 (UDP glucuronosyltransferase family 1 member A4; plus strand) and 5 more. Cytogenetic location: 2q37.1.
Variant type: Deletion.
Coding change: c.755_756del on transcript NM_000463.3 (MANE Select); coding-DNA positions 755 to 756, 2 bases deleted (CT; older notation c.755_756delCT).
Protein change: p.Ser252fs; shifts the reading frame from serine 252.
Molecular consequence: frameshift variant. On other transcripts: intron variant (9).
Genome position (GRCh38, 1-based): chr2:233,761,042-233,761,043, CT deleted; deleting any 2 consecutive bases within chr2:233,761,041-233,761,043 gives the same sequence; the c. name uses the placement nearest the transcript's 3' end. VCF-style (leftmost placement, unchanged base first): chr2-233761040-ATC-A. GRCh37 (hg19) VCF-style: chr2-234669686-ATC-A.
Other names: c.856-5992_856-5991del (NM_019076.5, NM_019075.4, NM_021027.3 and 1 more transcripts); c.61-5992_61-5991del (NM_205862.3); c.862-5992_862-5991del (NM_001072.4); c.868-5992_868-5991del (NM_019078.2, NM_007120.3, NM_019093.4); short protein forms S252fs.
Identifiers: ClinVar variation 3346165 (VCV003346165.1).
Genomic context (GRCh38, chr2:233,761,040, plus strand): 5'-AACCCTTGCCTCAGAATTCCTTCAGAGAGAGGTGACTGTCCAGGACCTATTGAGCTCTGC[ATC>A]TGTCTGGCTGTTTAGAAGTGACTTTGTGAAGGATTACCCTAGGCCCATCATGCCCAATAT-3'

ClinVar aggregate classification (germline): Pathogenic (0 of 4 stars; one submission).

Conditions:
UGT1A1-related disorder. Also called: UGT1A1-related disorders; UGT1A1-related condition.

Submission:

PreventionGenetics, part of Exact Sciences
Classification: Pathogenic for UGT1A1-related condition. Last evaluated: 2024-08-01. Review status: no assertion criteria provided. Collection method: clinical testing. Allele origin: germline.
Comment: The UGT1A1 c.755_756delCT variant is predicted to result in a frameshift and premature protein termination (p.Ser252Cysfs*5). To our knowledge, this variant has not been reported in the literature or in a large population database, indicating this variant is rare. Frameshift variants in UGT1A1 are expected to be pathogenic. This variant is interpreted as pathogenic.